The following is an entry in ClinVar:

NM_000179.3(MSH6):c.276del (p.Gly93fs)

Gene: MSH6 (mutS homolog 6; plus strand). Cytogenetic location: 2p16.3.
Variant type: Deletion.
Coding change: c.276del on transcript NM_000179.3 (MANE Select); coding-DNA position 276, one base deleted (A; older notation c.276delA).
Protein change: p.Gly93fs; shifts the reading frame from glycine 93.
Molecular consequence: frameshift variant. On other transcripts: intron variant (1), 5 prime UTR variant (2).
Genome position (GRCh38, 1-based): chr2:47,790,942, A deleted. VCF-style (leftmost placement, unchanged base first): chr2-47790941-CA-C. GRCh37 (hg19) VCF-style: chr2-48018080-CA-C.
Other names: c.237+7472del (NM_001281492.2); c.-461del (NM_001281493.2); c.-627del (NM_001281494.2); c.372delA, p.Gly125Glufs (NM_001406795.1, NM_001406802.1); c.276delA, p.Gly93Glufs (NM_001406796.1, NM_001406798.1, NM_001406800.1 and 6 more transcripts); c.-22delA (NM_001406797.1, NM_001406801.1, NM_001406805.1 and 10 more transcripts); c.198delA, p.Gly67Glufs (NM_001406804.1); c.-653delA (NM_001406807.1); and 4 more; short protein forms G93fs.
Identifiers: ClinVar variation 1795788 (VCV001795788.2), dbSNP rs2530431905, ClinGen allele CA2580066798.

ClinVar aggregate classification (germline): Pathogenic (1 of 4 stars; one submission).

Conditions:
Hereditary cancer-predisposing syndrome. Also called: Tumor predisposition; Hereditary Cancer Syndrome; Neoplastic Syndromes, Hereditary; Hereditary neoplastic syndrome. Identifiers: Orphanet 140162, MedGen C0027672, MeSH D009386, MONDO:0015356.

Submission:

Ambry Genetics
Classification: Pathogenic for Hereditary cancer-predisposing syndrome. Last evaluated: 2022-02-15. Review status: criteria provided, single submitter. Criteria: Ambry Variant Classification Scheme 2023. Collection method: clinical testing. Allele origin: germline.
Comment: The c.276delA pathogenic mutation, located in coding exon 2 of the MSH6 gene, results from a deletion of one nucleotide at nucleotide position 276, causing a translational frameshift with a predicted alternate stop codon (p.G93Efs*56). This alteration is expected to result in loss of function by premature protein truncation or nonsense-mediated mRNA decay. As such, this alteration is interpreted as a disease-causing mutation.